The following is an entry in ClinVar:

NM_021219.4(JAM2):c.685C>T (p.Arg229Ter)

Gene: JAM2 (junctional adhesion molecule 2; plus strand). Cytogenetic location: 21q21.3.
Variant type: single nucleotide variant.
Coding change: c.685C>T on transcript NM_021219.4 (MANE Select); coding-DNA position 685, C replaced by T.
Protein change: p.Arg229Ter; replaces arginine 229 with a stop codon.
Molecular consequence: nonsense. On other transcripts: non-coding transcript variant (1).
Genome position (GRCh38, 1-based): chr21:25,702,257, C>T. VCF-style: chr21-25702257-C-T. GRCh37 (hg19) VCF-style: chr21-27074569-C-T.
Other names: c.685C>T (NM_001270408.1, NM_021219.3); c.577C>T, p.Arg193Ter (NM_001270407.2); c.685C>T, p.Arg229Ter (NM_001270408.2); short protein forms R229*, R193*.
Identifiers: ClinVar variation 829541 (VCV000829541.6), dbSNP rs781261918, ClinGen allele CA9986400.
Genomic context (GRCh38, chr21:25,702,257, plus strand): 5'-ACTGGAGAATATTCCTGTGAAGCCCGCAATTCTGTTGGATATCGCAGGTGTCCTGGGAAA[C>T]GAATGCAAGTAGGTAAGCATGAAATATTGGGAGGAACAAATGGTTTGCAATTCGACTGTG-3'

ClinVar aggregate classification (germline): Pathogenic. Review status: criteria provided, multiple submitters, no conflicts (2 of 4 stars). 3 submissions from 3 submitters: Pathogenic (2). 1 of the submissions does not count toward it. Last evaluated 2026-04-10.

Conditions:
JAM2-related disorder. Also called: JAM2-related condition.
Basal ganglia calcification, idiopathic, 8, autosomal recessive. Also called: PRIMARY FAMILIAL BRAIN CALCIFICATION 8, AUTOSOMAL RECESSIVE. Identifiers: MedGen C5394199, MONDO:0032938, OMIM 618824.

Allele frequency attached by ClinVar (database versions not stated): gnomAD 0.00002; gnomAD exomes 0.00002 and 0.00003; ExAC 0.00003; TOPMed 0.00003.
gnomAD v4.1: 50 of 1,589,698 alleles (0.0031%); highest among the groups gnomAD compares: East Asian, 0.0045%; no homozygotes.

Submissions (3):

GeneDx
Classification: Pathogenic. Last evaluated: 2026-04-10. Review status: criteria provided, single submitter. Criteria: GeneDx Variant Classification Process June 2021. Collection method: clinical testing. Allele origin: germline.
Comment: Nonsense variant predicted to result in protein truncation or nonsense mediated decay in a gene for which loss of function is a known mechanism of disease; This variant is associated with the following publications: (PMID: 31851307, 32142645, 38441788)

PreventionGenetics, part of Exact Sciences
Classification: Pathogenic for JAM2-related condition. Last evaluated: 2022-08-25. Review status: criteria provided, single submitter. Criteria: ACMG Guidelines, 2015. Collection method: clinical testing. Allele origin: germline.
Comment: The JAM2 c.685C>T variant is predicted to result in premature protein termination (p.Arg229*). This variant has been reported in the homozygous state in multiple individuals with primary familial brain calcification, and family segregation studies support its pathogenicity (Schottlaender et al 2020. PubMed ID: 32142645). This variant is reported in 0.0041% of alleles in individuals of African descent in gnomAD. Nonsense variants in JAM2 are expected to be pathogenic. This variant is interpreted as pathogenic.

OMIM
Classification: Pathogenic for PRIMARY FAMILIAL BRAIN CALCIFICATION 8, AUTOSOMAL RECESSIVE. Last evaluated: 2026-11-13. Review status: no assertion criteria provided. Collection method: literature only. Allele origin: germline. Not counted in ClinVar's aggregate classification.

Literature cited by the submitters: PubMed 32142645 (cited by OMIM).